The following is an entry in ClinVar:

NC_000023.10:g.(?_41712348)_(41782241_?)dup

Gene: CASK (calcium/calmodulin dependent serine protein kinase; minus strand). Cytogenetic location: Xp11.4.
Variant type: Duplication.
Identifiers: ClinVar variation 2424729 (VCV002424729.4).

ClinVar aggregate classification (germline): Uncertain significance (1 of 4 stars; one submission).

Conditions:
Intellectual disability, CASK-related, X-linked. Identifiers: MedGen CN043158.

Submission:

Labcorp Genetics (formerly Invitae), Labcorp
Classification: Uncertain significance for Intellectual disability, CASK-related, X-linked. Last evaluated: 2022-12-06. Review status: criteria provided, single submitter. Criteria: Invitae Variant Classification Sherloc (09022015). Collection method: clinical testing. Allele origin: germline.
Comment: In summary, the available evidence is currently insufficient to determine the role of this variant in disease. Therefore, it has been classified as a Variant of Uncertain Significance. Experimental studies and prediction algorithms are not available or were not evaluated, and the functional significance of this variant is currently unknown. This variant has not been reported in the literature in individuals affected with CASK-related conditions. This variant results in a copy number gain of the genomic region encompassing exon(s) 1-2 of the CASK gene. This region includes the initiator codon of the gene. This copy number gain extends beyond the assayed region for this gene and therefore may encompass additional genes. As the precise location of this event is unknown, it may be in tandem or it may be located elsewhere in the genome.